The following is an entry in ClinVar:

NM_017565.4(FAM20A):c.1484T>C (p.Leu495Pro)

Genes: FAM20A (FAM20A golgi associated secretory pathway pseudokinase; minus strand), PRKAR1A (protein kinase cAMP-dependent type I regulatory subunit alpha; plus strand). Cytogenetic location: 17q24.2.
Variant type: single nucleotide variant.
Coding change: c.1484T>C on transcript NM_017565.4 (MANE Select); coding-DNA position 1484, T replaced by C.
Protein change: p.Leu495Pro; replaces leucine 495 with proline.
Molecular consequence: missense variant. On other transcripts: non-coding transcript variant (1), intron variant (1).
Genome position (GRCh38, 1-based): chr17:68,537,619, A>G on the plus strand (T>C on the coding strand, the complement: FAM20A is on the minus strand). VCF-style: chr17-68537619-A-G. GRCh37 (hg19) VCF-style: chr17-66533760-A-G.
Other names: c.1070T>C, p.Leu357Pro (NM_001243746.2); c.973+7618A>G (NM_001276290.1); short protein forms L357P, L495P.
Identifiers: ClinVar variation 2844055 (VCV002844055.3), dbSNP rs2509469680, ClinGen allele CA400756027.

ClinVar aggregate classification (germline): Uncertain significance (1 of 4 stars; one submission).

gnomAD v4.1: 1 of 1,613,754 alleles (0.000062%); highest among the groups gnomAD compares: Non-Finnish European, 0.000085%; no homozygotes.

Submission:

Labcorp Genetics (formerly Invitae), Labcorp
Classification: Uncertain significance. Last evaluated: 2024-04-08. Review status: criteria provided, single submitter. Criteria: Invitae Variant Classification Sherloc (09022015). Collection method: clinical testing. Allele origin: germline.
Comment: This sequence change replaces leucine, which is neutral and non-polar, with proline, which is neutral and non-polar, at codon 495 of the FAM20A protein (p.Leu495Pro). This variant is not present in population databases (gnomAD no frequency). This variant has not been reported in the literature in individuals affected with FAM20A-related conditions. An algorithm developed to predict the effect of missense changes on protein structure and function (PolyPhen-2) suggests that this variant is likely to be disruptive. In summary, the available evidence is currently insufficient to determine the role of this variant in disease. Therefore, it has been classified as a Variant of Uncertain Significance.